The following is an entry in ClinVar:

NM_014679.5(CEP57):c.717A>C (p.Glu239Asp)

Gene: CEP57 (centrosomal protein 57; plus strand). Cytogenetic location: 11q21.
Variant type: single nucleotide variant.
Coding change: c.717A>C on transcript NM_014679.5 (MANE Select); coding-DNA position 717, A replaced by C.
Protein change: p.Glu239Asp; replaces glutamic acid 239 with aspartic acid.
Molecular consequence: missense variant. On other transcripts: intron variant (5).
Genome position (GRCh38, 1-based): chr11:95,821,888, A>C. VCF-style: chr11-95821888-A-C. GRCh37 (hg19) VCF-style: chr11-95555052-A-C.
Other names: c.600A>C, p.Glu200Asp (NM_001440876.1, NM_001440872.1); c.519A>C, p.Glu173Asp (NM_001440877.1, NM_001440878.1); c.456A>C, p.Glu152Asp (NM_001440880.1); c.420A>C, p.Glu140Asp (NM_001440881.1); c.700-611A>C (NM_001440871.1); c.699+2984A>C (NM_001440874.1); c.583-611A>C (NM_001440879.1); c.582+2984A>C (NM_001440882.1); and 5 more; short protein forms E173D, E179D, E200D, E239D, E152D, E212D, E230D, E140D.
Identifiers: ClinVar variation 4226358 (VCV004226358.1).

ClinVar aggregate classification (germline): Uncertain significance (1 of 4 stars; one submission).

Conditions:
Inborn genetic diseases. Identifiers: MedGen C0950123, MeSH D030342.

gnomAD v4.1: 1 of 1,611,484 alleles (0.000062%); highest among the groups gnomAD compares: Non-Finnish European, 0.000085%; no homozygotes.

Submission:

Ambry Genetics
Classification: Uncertain significance for Inborn genetic diseases. Last evaluated: 2025-07-25. Review status: criteria provided, single submitter. Criteria: Ambry Variant Classification Scheme 2023. Collection method: clinical testing. Allele origin: germline.
Comment: The p.E239D variant (also known as c.717A>C), located in coding exon 7 of the CEP57 gene, results from an A to C substitution at nucleotide position 717. The glutamic acid at codon 239 is replaced by aspartic acid, an amino acid with highly similar properties. This amino acid position is conserved. In addition, the in silico prediction for this alteration is inconclusive. Based on the available evidence, the clinical significance of this variant remains unclear.